The following is an entry in ClinVar:

NM_001375808.2(LPIN2):c.698C>A (p.Thr233Asn)

Gene: LPIN2 (lipin 2; minus strand). Cytogenetic location: 18p11.31.
Variant type: single nucleotide variant.
Coding change: c.698C>A on transcript NM_001375808.2 (MANE Select); coding-DNA position 698, C replaced by A.
Protein change: p.Thr233Asn; replaces threonine 233 with asparagine.
Molecular consequence: missense variant.
Genome position (GRCh38, 1-based): chr18:2,940,605, G>T on the plus strand (C>A on the coding strand, the complement: LPIN2 is on the minus strand). VCF-style: chr18-2940605-G-T. GRCh37 (hg19) VCF-style: chr18-2940603-G-T.
Other names: c.698C>A, p.Thr233Asn (NM_001375809.1, NM_014646.2); short protein forms T233N.
Identifiers: ClinVar variation 953756 (VCV000953756.11), dbSNP rs139654849, ClinGen allele CA8873332.

ClinVar aggregate classification (germline): Conflicting classifications of pathogenicity. Review status: criteria provided, conflicting classifications (1 of 4 stars). 2 submissions from 2 submitters: Uncertain significance (1); Likely benign (1). Last evaluated 2022-02-09.

Conditions:
Majeed syndrome (MJDS). Also called: CHRONIC RECURRENT MULTIFOCAL OSTEOMYELITIS 1, WITH CONGENITAL DYSERYTHROPOIETIC ANEMIA, WITH OR WITHOUT NEUTROPHILIC DERMATOSIS; LPIN2-Related Majeed Syndrome. Identifiers: Orphanet 77297, MedGen C1864997, MONDO:0012316, OMIM 609628.

Allele frequency attached by ClinVar (database versions not stated): TOPMed 0.00002.
gnomAD v4.1: 5 of 1,586,442 alleles (0.00032%); highest among the groups gnomAD compares: Non-Finnish European, 0.00043%; no homozygotes.

Submissions (2):

Blueprint Genetics
Classification: Likely benign. Last evaluated: 2022-02-09. Review status: criteria provided, single submitter. Criteria: ACMG Guidelines, 2015. Collection method: clinical testing. Allele origin: germline.

Labcorp Genetics (formerly Invitae), Labcorp
Classification: Uncertain significance for Majeed syndrome. Last evaluated: 2019-07-26. Review status: criteria provided, single submitter. Criteria: Invitae Variant Classification Sherloc (09022015). Collection method: clinical testing. Allele origin: germline.
Comment: In summary, the available evidence is currently insufficient to determine the role of this variant in disease. Therefore, it has been classified as a Variant of Uncertain Significance. This sequence change replaces threonine with asparagine at codon 233 of the LPIN2 protein (p.Thr233Asn). The threonine residue is weakly conserved and there is a small physicochemical difference between threonine and asparagine. This variant is present in population databases (rs139654849, ExAC 0.002%). This variant has not been reported in the literature in individuals with LPIN2-related conditions. Algorithms developed to predict the effect of missense changes on protein structure and function output the following: SIFT: "Tolerated"; PolyPhen-2: "Benign"; Align-GVGD: "Class C0". The asparagine amino acid residue is found in multiple mammalian species, suggesting that this missense change does not adversely affect protein function. These predictions have not been confirmed by published functional studies and their clinical significance is uncertain.